The following is an entry in ClinVar:

ClinVar aggregate classification (germline): Conflicting classifications of pathogenicity. Review status: criteria provided, conflicting classifications (1 of 4 stars). 4 submissions from 4 submitters: Uncertain significance (3); Likely benign (1). Last evaluated 2024-11-26.

Conditions:
Fanconi anemia (FA). Also called: Fanconi's anemia. Identifiers: Orphanet 84, MedGen C0015625, MeSH D005199, MONDO:0019391.
Spermatogenic failure 28. Identifiers: MedGen C4748117, MONDO:0054732, OMIM 618086.
Premature ovarian failure 15. Identifiers: MedGen C4748170, MONDO:0054862, OMIM 618096.
Inborn genetic diseases. Identifiers: MedGen C0950123, MeSH D030342.

gnomAD v4.1: 3 of 1,612,028 alleles (0.00019%); highest among the groups gnomAD compares: Non-Finnish European, 0.00017%; no homozygotes.

Submissions (4):

Ambry Genetics
Classification: Likely benign for Inborn genetic diseases. Last evaluated: 2024-11-26. Review status: criteria provided, single submitter. Criteria: Ambry Variant Classification Scheme 2023. Collection method: clinical testing. Allele origin: germline.

GeneDx
Classification: Uncertain significance. Last evaluated: 2024-08-27. Review status: criteria provided, single submitter. Criteria: GeneDx Variant Classification Process June 2021. Collection method: clinical testing. Allele origin: germline.
Comment: Not observed at significant frequency in large population cohorts (gnomAD); In silico analysis indicates that this missense variant does not alter protein structure/function; Has not been previously published as pathogenic or benign to our knowledge

Fulgent Genetics
Classification: Uncertain significance for Spermatogenic failure 28; Premature ovarian failure 15. Last evaluated: 2021-07-07. Review status: criteria provided, single submitter. Criteria: ACMG Guidelines, 2015. Collection method: clinical testing. Allele origin: unknown.

Labcorp Genetics (formerly Invitae), Labcorp
Classification: Uncertain significance for Fanconi anemia. Last evaluated: 2021-07-06. Review status: criteria provided, single submitter. Criteria: Invitae Variant Classification Sherloc (09022015). Collection method: clinical testing. Allele origin: germline.
Comment: This variant has not been reported in the literature in individuals affected with FANCM-related conditions. Algorithms developed to predict the effect of missense changes on protein structure and function output the following: SIFT: "Tolerated"; PolyPhen-2: "Benign"; Align-GVGD: "Class C0". The threonine amino acid residue is found in multiple mammalian species, which suggests that this missense change does not adversely affect protein function. In summary, the available evidence is currently insufficient to determine the role of this variant in disease. Therefore, it has been classified as a Variant of Uncertain Significance. This variant is not present in population databases (ExAC no frequency). This sequence change replaces serine with threonine at codon 2004 of the FANCM protein (p.Ser2004Thr). The serine residue is highly conserved and there is a small physicochemical difference between serine and threonine.

NM_020937.4(FANCM):c.6010T>A (p.Ser2004Thr)

Gene: FANCM (FA complementation group M; plus strand). Cytogenetic location: 14q21.2.
Variant type: single nucleotide variant.
Coding change: c.6010T>A on transcript NM_020937.4 (MANE Select); coding-DNA position 6010, T replaced by A.
Protein change: p.Ser2004Thr; replaces serine 2004 with threonine.
Molecular consequence: missense variant.
Genome position (GRCh38, 1-based): chr14:45,199,871, T>A. VCF-style: chr14-45199871-T-A. GRCh37 (hg19) VCF-style: chr14-45669074-T-A.
Other names: c.5932T>A, p.Ser1978Thr (NM_001308133.2); c.6010T>A (NM_020937.2); short protein forms S2004T, S1978T.
Identifiers: ClinVar variation 1432374 (VCV001432374.13), dbSNP rs760258217, ClinGen allele CA389587926.
Genomic context (GRCh38, chr14:45,199,871, plus strand): 5'-TTAAATTTTATAAAAGCCAAAAGTCCTAGTGTAATGATTTTGTCTCATTTATTTTTCAGC[T>A]CACTTCAAGAAATCTCCATGTATGCACAAGTAACTCATCAGAAGGCTGAGGAGATCTATA-3'
Protein context (NP_065988.1, residues 1994-2014): FSSVKRMANS[Ser2004Thr]LQEISMYAQV